The following is an entry in ClinVar:

NM_017617.5(NOTCH1):c.2175C>T (p.Cys725=)

Gene: NOTCH1 (notch receptor 1; minus strand). Cytogenetic location: 9q34.3.
Variant type: single nucleotide variant.
Coding change: c.2175C>T on transcript NM_017617.5 (MANE Select); coding-DNA position 2175, C replaced by T.
Protein change: p.Cys725=; no amino-acid change (cysteine 725 retained).
Molecular consequence: synonymous variant.
Genome position (GRCh38, 1-based): chr9:136,514,542, G>A on the plus strand (C>T on the coding strand, the complement: NOTCH1 is on the minus strand). VCF-style: chr9-136514542-G-A. GRCh37 (hg19) VCF-style: chr9-139408994-G-A.
Identifiers: ClinVar variation 1574246 (VCV001574246.13), dbSNP rs770313470, ClinGen allele CA5341467.

ClinVar aggregate classification (germline): Benign/Likely benign. Review status: criteria provided, multiple submitters, no conflicts (2 of 4 stars). 7 submissions from 6 submitters: Benign (2); Likely benign (5). Last evaluated 2026-10-01.

Conditions:
Aortic valve disease 1 (AOVD1). Identifiers: MedGen C3887892, MONDO:0024523, OMIM 109730.
Adams-Oliver syndrome 5 (AOS5). Identifiers: Orphanet 974, MedGen C4014970, MONDO:0014459, OMIM 616028.
Familial thoracic aortic aneurysm and aortic dissection (TAAD). Also called: Thoracic aortic aneurysms and dissections. Identifiers: Orphanet 91387, MedGen C4707243, MONDO:0019625.

Allele frequency attached by ClinVar (database versions not stated): gnomAD 0.00001; gnomAD exomes 0.00001 and 0.00004; TOPMed 0.00003; ExAC 0.00004.
gnomAD v4.1: 17 of 1,599,268 alleles (0.0011%); highest among the groups gnomAD compares: Admixed American, 0.017%; no homozygotes.

Submissions (7):

CeGaT Center for Human Genetics Tuebingen
Classification: Likely benign. Last evaluated: 2026-10-01. Review status: criteria provided, single submitter. Criteria: CeGaT Center For Human Genetics Tuebingen Variant Classification Criteria Version 2. Collection method: clinical testing. Allele origin: germline. Affected: yes. Observed: 1 variant allele.
Comment: NOTCH1: BP4, BP7

Labcorp Genetics (formerly Invitae), Labcorp
Classification: Likely benign for Adams-Oliver syndrome 5. Last evaluated: 2025-12-03. Review status: criteria provided, single submitter. Criteria: Invitae Variant Classification Sherloc (09022015). Collection method: clinical testing. Allele origin: germline.

Blueprint Genetics
Classification: Likely benign. Last evaluated: 2023-10-10. Review status: criteria provided, single submitter. Criteria: ACMG Guidelines, 2015. Collection method: clinical testing. Allele origin: germline.

CHEO Genetics Diagnostic Laboratory, Children's Hospital of Eastern Ontario
Classification: Likely benign for Familial thoracic aortic aneurysm and aortic dissection. Last evaluated: 2022-10-11. Review status: criteria provided, single submitter. Criteria: ACMG Guidelines, 2015. Collection method: clinical testing. Allele origin: germline.

Genome-Nilou Lab
Classification: Benign for Adams-Oliver syndrome 5. Last evaluated: 2022-03-15. Review status: criteria provided, single submitter. Criteria: ACMG Guidelines, 2015. Collection method: clinical testing. Allele origin: germline. Affected: no.

Genome-Nilou Lab
Classification: Benign for Aortic valve disease 1. Last evaluated: 2022-03-15. Review status: criteria provided, single submitter. Criteria: ACMG Guidelines, 2015. Collection method: clinical testing. Allele origin: germline. Affected: no.

GeneDx
Classification: Likely benign. Last evaluated: 2021-08-30. Review status: criteria provided, single submitter. Criteria: GeneDx Variant Classification Process June 2021. Collection method: clinical testing. Allele origin: germline. Affected: yes.